The following is an entry in ClinVar:

ClinVar aggregate classification (germline): Uncertain significance. Review status: criteria provided, multiple submitters, no conflicts (2 of 4 stars). 3 submissions from 3 submitters: Uncertain significance (3). Last evaluated 2025-06-19.

Conditions:
DICER1-related tumor predisposition. Also called: DICER1 syndrome; DICER1-related pleuropulmonary blastoma cancer predisposition syndrome. Identifiers: Orphanet 284343, MedGen C3839822, MONDO:0100216.
Global developmental delay - lung cysts - overgrowth - Wilms tumor syndrome. Also called: GLOW Syndrome; GLOBAL DEVELOPMENTAL DELAY, LUNG CYSTS, OVERGROWTH, AND WILMS TUMOR. Identifiers: Orphanet 404476, MedGen C4748924, MONDO:0018445, OMIM 618272.
Hereditary cancer-predisposing syndrome. Also called: Neoplastic Syndromes, Hereditary; Hereditary Cancer Syndrome; Hereditary neoplastic syndrome; Tumor predisposition. Identifiers: Orphanet 140162, MedGen C0027672, MeSH D009386, MONDO:0015356.

Allele frequency attached by ClinVar (database versions not stated): TOPMed below 0.00001; gnomAD 0.00001; gnomAD exomes 0.00001.
gnomAD v4.1: 7 of 1,613,980 alleles (0.00043%); highest among the groups gnomAD compares: East Asian, 0.0022%; no homozygotes.

Submissions (3):

Ambry Genetics
Classification: Uncertain significance for Hereditary cancer-predisposing syndrome. Last evaluated: 2025-06-19. Review status: criteria provided, single submitter. Criteria: Ambry Variant Classification Scheme 2023. Collection method: clinical testing. Allele origin: germline.
Comment: The p.R385H variant (also known as c.1154G>A), located in coding exon 7 of the DICER1 gene, results from a G to A substitution at nucleotide position 1154. The arginine at codon 385 is replaced by histidine, an amino acid with highly similar properties. In one case-control study assessing probands with at least one cutaneous melanoma and two other primary cancers, this variant was not detected in 57 cases but was seen in the control group of 1358 individuals (Pritchard AL et al. PLoS One 2018 Apr;13(4):e0194098). This amino acid position is well conserved in available vertebrate species. In addition, this alteration is predicted to be tolerated by in silico analysis. Since supporting evidence is limited at this time, the clinical significance of this alteration remains unclear.

Labcorp Genetics (formerly Invitae), Labcorp
Classification: Uncertain significance for DICER1-related tumor predisposition. Last evaluated: 2024-10-15. Review status: criteria provided, single submitter. Criteria: Invitae Variant Classification Sherloc (09022015). Collection method: clinical testing. Allele origin: germline.
Comment: This sequence change replaces arginine, which is basic and polar, with histidine, which is basic and polar, at codon 385 of the DICER1 protein (p.Arg385His). This variant is present in population databases (no rsID available, gnomAD 0.003%). This variant has not been reported in the literature in individuals affected with DICER1-related conditions. ClinVar contains an entry for this variant (Variation ID: 642757). Invitae Evidence Modeling of protein sequence and biophysical properties (such as structural, functional, and spatial information, amino acid conservation, physicochemical variation, residue mobility, and thermodynamic stability) indicates that this missense variant is not expected to disrupt DICER1 protein function with a negative predictive value of 95%. In summary, the available evidence is currently insufficient to determine the role of this variant in disease. Therefore, it has been classified as a Variant of Uncertain Significance.

Baylor Genetics
Classification: Uncertain significance for Global developmental delay - lung cysts - overgrowth - Wilms tumor syndrome. Last evaluated: 2024-03-14. Review status: criteria provided, single submitter. Criteria: ACMG Guidelines, 2015. Collection method: clinical testing. Allele origin: unknown.

NM_177438.3(DICER1):c.1154G>A (p.Arg385His)

Gene: DICER1 (dicer 1, ribonuclease III; minus strand). Cytogenetic location: 14q32.13.
Variant type: single nucleotide variant.
Coding change: c.1154G>A on transcript NM_177438.3 (MANE Select); coding-DNA position 1154, G replaced by A.
Protein change: p.Arg385His; replaces arginine 385 with histidine.
Molecular consequence: missense variant.
Genome position (GRCh38, 1-based): chr14:95,124,418, C>T on the plus strand (G>A on the coding strand, the complement: DICER1 is on the minus strand). VCF-style: chr14-95124418-C-T. GRCh37 (hg19) VCF-style: chr14-95590755-C-T.
Other names: c.1154G>A, p.Arg385His (NM_001195573.1, NM_001271282.3, NM_001291628.2 and 1 more transcripts); short protein forms R385H.
Identifiers: ClinVar variation 642757 (VCV000642757.14), dbSNP rs1273140956, ClinGen allele CA390886847.
Genomic context (GRCh38, chr14:95,124,418, plus strand): 5'-TTTCTATTATTATACCACTCAACGCTTTCAAACTGCTGTCGCTCATATGGTTTATATTTG[C>T]GTAAGATTTCGAGCAGTTTGATTACTTTAGGAGTTACAAATTTCAGGTCAAGTGAGGCAG-3'
Protein context (NP_803187.1, residues 375-395): PKVIKLLEIL[Arg385His]KYKPYERQQF